The following is an entry in ClinVar:

NC_000011.9:g.(?_64497214)_(64518075_?)del

Genes: PYGM (glycogen phosphorylase, muscle associated; minus strand), RASGRP2 (RAS guanyl releasing protein 2; minus strand). Cytogenetic location: 11q13.1.
Variant type: Deletion.
Identifiers: ClinVar variation 3244789 (VCV003244789.1).

ClinVar aggregate classification (germline): Pathogenic (1 of 4 stars; one submission).

Submission:

Labcorp Genetics (formerly Invitae), Labcorp
Classification: Pathogenic. Last evaluated: 2023-06-23. Review status: criteria provided, single submitter. Criteria: Invitae Variant Classification Sherloc (09022015). Collection method: clinical testing. Allele origin: unknown.
Comment: For these reasons, this variant has been classified as Pathogenic. This variant has not been reported in the literature in individuals affected with RASGRP2-related conditions. This variant is a gross deletion of the genomic region encompassing exon(s) 1-14 of the RASGRP2 gene, which includes the initiator codon. This deletion extends beyond the assayed region for this gene and therefore may encompass additional genes. It is expected to result in an absent or disrupted protein product. Loss-of-function variants in RASGRP2 are known to be pathogenic (PMID: 27235135, 27663674).

Literature cited by the submitters: PubMed 27235135; PubMed 27663674.